The following is an entry in ClinVar:

ClinVar aggregate classification (germline): Conflicting classifications of pathogenicity. Review status: criteria provided, conflicting classifications (1 of 4 stars). 6 submissions from 6 submitters: Uncertain significance (4); Likely benign (2). Last evaluated 2025-09-29.

Conditions:
Hereditary cancer-predisposing syndrome. Also called: Tumor predisposition; Hereditary neoplastic syndrome; Hereditary Cancer Syndrome; Neoplastic Syndromes, Hereditary. Identifiers: Orphanet 140162, MedGen C0027672, MeSH D009386, MONDO:0015356.
Tuberous sclerosis syndrome (TSC). Also called: Tuberous Sclerosis Complex; Tuberous sclerosis. Identifiers: Orphanet 805, MedGen C0041341, MONDO:0001734.
Tuberous sclerosis 1 (TSC1). Identifiers: Orphanet 805, MedGen C1854465, MONDO:0008612, OMIM 191100.

Allele frequency attached by ClinVar (database versions not stated): gnomAD exomes below 0.00001; TOPMed 0.00001.
gnomAD v4.1: 5 of 1,614,220 alleles (0.00031%); highest among the groups gnomAD compares: Admixed American, 0.0017%; no homozygotes.

Submissions (6):

Color Diagnostics, LLC DBA Color Health
Classification: Uncertain significance for Tuberous sclerosis syndrome. Last evaluated: 2025-09-29. Review status: criteria provided, single submitter. Criteria: ACMG Guidelines, 2015. Collection method: clinical testing. Allele origin: germline.
Comment: This missense variant replaces alanine with valine at codon 1070 of the TSC1 protein. Computational prediction suggests that this variant may not impact protein structure and function. To our knowledge, functional studies have not been reported for this variant. This variant has not been reported in individuals affected with TSC1-related disorders in the literature. This variant has been identified in 1/251404 chromosomes in the general population by the Genome Aggregation Database (gnomAD). The available evidence is insufficient to determine the role of this variant in disease conclusively. Therefore, this variant is classified as a Variant of Uncertain Significance.

Labcorp Genetics (formerly Invitae), Labcorp
Classification: Likely benign for Tuberous sclerosis 1. Last evaluated: 2025-05-21. Review status: criteria provided, single submitter. Criteria: Invitae Variant Classification Sherloc (09022015). Collection method: clinical testing. Allele origin: germline.

Ambry Genetics
Classification: Uncertain significance for Hereditary cancer-predisposing syndrome. Last evaluated: 2025-01-03. Review status: criteria provided, single submitter. Criteria: Ambry Variant Classification Scheme 2023. Collection method: clinical testing. Allele origin: germline.
Comment: The p.A1070V variant (also known as c.3209C>T), located in coding exon 21 of the TSC1 gene, results from a C to T substitution at nucleotide position 3209. The alanine at codon 1070 is replaced by valine, an amino acid with similar properties. This amino acid position is poorly conserved in available vertebrate species. In addition, this alteration is predicted to be tolerated by in silico analysis. Based on the available evidence, the clinical significance of this variant remains unclear.

GeneDx
Classification: Uncertain significance. Last evaluated: 2024-05-01. Review status: criteria provided, single submitter. Criteria: GeneDx Variant Classification Process June 2021. Collection method: clinical testing. Allele origin: germline. Affected: yes.
Comment: In silico analysis indicates that this missense variant does not alter protein structure/function; Has not been previously published as pathogenic or benign to our knowledge

All of Us Research Program, National Institutes of Health
Classification: Uncertain significance for Tuberous sclerosis syndrome. Last evaluated: 2023-12-18. Review status: criteria provided, single submitter. Criteria: ACMG Guidelines, 2015. Collection method: clinical testing. Allele origin: germline. Inheritance: Autosomal dominant inheritance. Observed: 3 variant alleles, 3 heterozygotes.
Comment: This missense variant replaces alanine with valine at codon 1070 of the TSC1 protein. Computational prediction suggests that this variant may not impact protein structure and function (internally defined REVEL score threshold <= 0.5, PMID: 27666373). To our knowledge, functional studies have not been reported for this variant. This variant has not been reported in individuals affected with TSC1-related disorders in the literature. This variant has been identified in 1/251404 chromosomes in the general population by the Genome Aggregation Database (gnomAD). The available evidence is insufficient to determine the role of this variant in disease conclusively. Therefore, this variant is classified as a Variant of Uncertain Significance.

This study involves interpretation of variants in research participants for the purpose of population health screening. Participant phenotype was not available at the time of variant classification. Additional details can be found in publication PMID: 35346344, PMCID: PMC8962531

CeGaT Center for Human Genetics Tuebingen
Classification: Likely benign. Last evaluated: 2023-08-01. Review status: criteria provided, single submitter. Criteria: CeGaT Center For Human Genetics Tuebingen Variant Classification Criteria Version 2. Collection method: clinical testing. Allele origin: germline. Affected: yes. Observed: 1 variant allele.
Comment: TSC1: BP4

NM_000368.5(TSC1):c.3209C>T (p.Ala1070Val)

Gene: TSC1 (TSC complex subunit 1; minus strand). Cytogenetic location: 9q34.13.
Variant type: single nucleotide variant.
Coding change: c.3209C>T on transcript NM_000368.5 (MANE Select); coding-DNA position 3209, C replaced by T.
Protein change: p.Ala1070Val; replaces alanine 1070 with valine.
Molecular consequence: missense variant.
Genome position (GRCh38, 1-based): chr9:132,896,521, G>A on the plus strand (C>T on the coding strand, the complement: TSC1 is on the minus strand). VCF-style: chr9-132896521-G-A. GRCh37 (hg19) VCF-style: chr9-135771908-G-A.
Other names: c.3206C>T, p.Ala1069Val (NM_001162426.2); c.3056C>T, p.Ala1019Val (NM_001162427.2); c.2846C>T, p.Ala949Val (NM_001362177.2); short protein forms A1070V, A949V, A1019V, A1069V.
Identifiers: ClinVar variation 411222 (VCV000411222.40), dbSNP rs1060503200, ClinGen allele CA16612440.